The following is an entry in ClinVar:

ClinVar aggregate classification (germline): Uncertain significance (1 of 4 stars; one submission).

Conditions:
Hypertrophic cardiomyopathy 26. Also called: Cardiomyopathy, familial hypertrophic, 26. Identifiers: Orphanet 75249, MedGen C4310749, MONDO:0014883, OMIM 617047.
Myofibrillar myopathy 5. Also called: Filaminopathy (type); FILAMINOPATHY, AUTOSOMAL DOMINANT. Identifiers: Orphanet 171445, MedGen C1836050, MONDO:0012289, OMIM 609524.
Distal myopathy with posterior leg and anterior hand involvement. Also called: WILLIAMS DISTAL MYOPATHY. Identifiers: Orphanet 63273, MedGen C3279722, MONDO:0013550, OMIM 614065.

Submission:

Labcorp Genetics (formerly Invitae), Labcorp
Classification: Uncertain significance for Distal myopathy with posterior leg and anterior hand involvement; Myofibrillar myopathy 5; Hypertrophic cardiomyopathy 26. Last evaluated: 2025-07-09. Review status: criteria provided, single submitter. Criteria: Invitae Variant Classification Sherloc (09022015). Collection method: clinical testing. Allele origin: germline.
Comment: This sequence change replaces isoleucine, which is neutral and non-polar, with valine, which is neutral and non-polar, at codon 1857 of the FLNC protein (p.Ile1857Val). This variant is not present in population databases (gnomAD no frequency). This variant has not been reported in the literature in individuals affected with FLNC-related conditions. Invitae Evidence Modeling of protein sequence and biophysical properties (such as structural, functional, and spatial information, amino acid conservation, physicochemical variation, residue mobility, and thermodynamic stability) has been performed for this missense variant. However, the output from this modeling did not meet the statistical confidence thresholds required to predict the impact of this variant on FLNC protein function. In summary, the available evidence is currently insufficient to determine the role of this variant in disease. Therefore, it has been classified as a Variant of Uncertain Significance.

NM_001458.5(FLNC):c.5569A>G (p.Ile1857Val)

Genes: FLNC-AS1 (FLNC antisense RNA 1; minus strand), FLNC (filamin C; plus strand). Cytogenetic location: 7q32.1.
Variant type: single nucleotide variant.
Coding change: c.5569A>G on transcript NM_001458.5 (MANE Select); coding-DNA position 5569, A replaced by G.
Protein change: p.Ile1857Val; replaces isoleucine 1857 with valine.
Molecular consequence: missense variant.
Genome position (GRCh38, 1-based): chr7:128,851,261, A>G. VCF-style: chr7-128851261-A-G. GRCh37 (hg19) VCF-style: chr7-128491315-A-G.
Other names: c.5470A>G, p.Ile1824Val (NM_001127487.2); short protein forms I1824V, I1857V.
Identifiers: ClinVar variation 4812745 (VCV004812745.1).